The following is an entry in ClinVar:

NM_004667.6(HERC2):c.1219T>C (p.Cys407Arg)

Gene: HERC2 (HECT and RLD domain containing E3 ubiquitin protein ligase 2; minus strand). Cytogenetic location: 15q13.1.
Variant type: single nucleotide variant.
Coding change: c.1219T>C on transcript NM_004667.6 (MANE Select); coding-DNA position 1219, T replaced by C.
Protein change: p.Cys407Arg; replaces cysteine 407 with arginine.
Molecular consequence: missense variant.
Genome position (GRCh38, 1-based): chr15:28,270,733, A>G on the plus strand (T>C on the coding strand, the complement: HERC2 is on the minus strand). VCF-style: chr15-28270733-A-G. GRCh37 (hg19) VCF-style: chr15-28515879-A-G.
Other names: short protein forms C407R.
Identifiers: ClinVar variation 3234632 (VCV003234632.20), dbSNP rs2549343447, ClinGen allele CA391401770.

ClinVar aggregate classification (germline): Uncertain significance (1 of 4 stars; one submission).

Allele frequency attached by ClinVar (database versions not stated): gnomAD exomes below 0.00001.
gnomAD v4.1: 2 of 1,613,974 alleles (0.00012%); highest among the groups gnomAD compares: Non-Finnish European, 0.00017%; no homozygotes.

Submission:

CeGaT Center for Human Genetics Tuebingen
Classification: Uncertain significance. Last evaluated: 2024-04-01. Review status: criteria provided, single submitter. Criteria: CeGaT Center For Human Genetics Tuebingen Variant Classification Criteria Version 2. Collection method: clinical testing. Allele origin: germline. Affected: yes. Observed: 1 variant allele.
Comment: HERC2: PM2